The following is an entry in ClinVar:

NM_006343.3(MERTK):c.844G>A (p.Ala282Thr)

Gene: MERTK (MER proto-oncogene, tyrosine kinase; plus strand). Cytogenetic location: 2q13.
Variant type: single nucleotide variant.
Coding change: c.844G>A on transcript NM_006343.3 (MANE Select); coding-DNA position 844, G replaced by A.
Protein change: p.Ala282Thr; replaces alanine 282 with threonine.
Molecular consequence: missense variant.
Genome position (GRCh38, 1-based): chr2:111,965,277, G>A. VCF-style: chr2-111965277-G-A. GRCh37 (hg19) VCF-style: chr2-112722854-G-A.
Other names: short protein forms A282T.
Identifiers: ClinVar variation 330749 (VCV000330749.17), dbSNP rs7588635, ClinGen allele CA1831182.

ClinVar aggregate classification (germline): Benign/Likely benign. Review status: criteria provided, multiple submitters, no conflicts (2 of 4 stars). 4 submissions from 4 submitters: Benign (2); Likely benign (2). Last evaluated 2026-02-01.

Conditions:
Retinitis pigmentosa 38 (RP38). Also called: ROD-CONE DYSTROPHY, CHILDHOOD-ONSET. Identifiers: Orphanet 791, MedGen C3151228, MONDO:0013469, OMIM 613862.
Retinitis pigmentosa (RP). Identifiers: Orphanet 791, MedGen C0035334, MeSH D012174, MONDO:0019200, OMIM 268000. Inheritance: Autosomal dominant, autosomal recessive and X linked inheritance.

Allele frequency attached by ClinVar (database versions not stated): gnomAD exomes 0.00440 and 0.01111; ExAC 0.01359; gnomAD 0.04365 and 0.04692; ESP Exome Variant Server 0.04644; 1000 Genomes Project 0.04653; TOPMed 0.04923; 1000 Genomes Project 30x 0.05200.
gnomAD v4.1: 13,414 of 1,614,026 alleles (0.83%); highest among the groups gnomAD compares: African/African-American, 15%; 939 homozygotes.

Submissions (33):

Labcorp Genetics (formerly Invitae), Labcorp
Classification: Benign. Last evaluated: 2026-02-01. Review status: criteria provided, single submitter. Criteria: Invitae Variant Classification Sherloc (09022015). Collection method: clinical testing. Allele origin: germline.

Mendelics
Classification: Benign for Retinitis pigmentosa 38. Last evaluated: 2019-05-28. Review status: criteria provided, single submitter. Criteria: Mendelics Assertion Criteria 2017. Collection method: clinical testing. Allele origin: unknown.

Illumina Laboratory Services, Illumina
Classification: Likely benign for Retinitis pigmentosa. Last evaluated: 2017-04-27. Review status: criteria provided, single submitter. Criteria: ICSL Variant Classification Criteria 13 December 2019. Collection method: clinical testing. Allele origin: germline.
Comment: This variant was observed as part of a predisposition screen in an ostensibly healthy population. A literature search was performed for the gene, cDNA change, and amino acid change (where applicable). Publications were found based on this search. The evidence from the literature, in combination with allele frequency data from public databases where available, was sufficient to determine this variant is unlikely to cause disease. Therefore, this variant is classified as likely benign.

Breakthrough Genomics
Classification: Likely benign. Review status: criteria provided, single submitter. Criteria: ACMG Guidelines, 2015. Collection method: not provided. Allele origin: germline. Inheritance: Autosomal recessive inheritance. Affected: yes.

Dr. Peter K. Rogan Lab, Western University
No classification provided (evidence only). Condition: Clear cell carcinoma of kidney. Review status: no classification provided. Collection method: in vitro. Allele origin: not applicable. Functional consequence: skipped exon. Not counted in ClinVar's aggregate classification.

Dr. Peter K. Rogan Lab, Western University
No classification provided (evidence only). Condition: Clear cell carcinoma of kidney. Review status: no classification provided. Collection method: in vitro. Allele origin: not applicable. Functional consequence: skipped exon. Not counted in ClinVar's aggregate classification.

Dr. Peter K. Rogan Lab, Western University
No classification provided (evidence only). Condition: Clear cell carcinoma of kidney. Review status: no classification provided. Collection method: in vitro. Allele origin: not applicable. Functional consequence: skipped exon. Not counted in ClinVar's aggregate classification.

Dr. Peter K. Rogan Lab, Western University
No classification provided (evidence only). Condition: Clear cell carcinoma of kidney. Review status: no classification provided. Collection method: in vitro. Allele origin: not applicable. Functional consequence: skipped exon. Not counted in ClinVar's aggregate classification.

Dr. Peter K. Rogan Lab, Western University
No classification provided (evidence only). Condition: Lung cancer. Review status: no classification provided. Collection method: in vitro. Allele origin: not applicable. Functional consequence: skipped exon. Not counted in ClinVar's aggregate classification.

Dr. Peter K. Rogan Lab, Western University
No classification provided (evidence only). Condition: Melanoma. Review status: no classification provided. Collection method: in vitro. Allele origin: not applicable. Functional consequence: skipped exon, retained intron. Not counted in ClinVar's aggregate classification.

Dr. Peter K. Rogan Lab, Western University
No classification provided (evidence only). Condition: Acute myeloid leukemia. Review status: no classification provided. Collection method: in vitro. Allele origin: not applicable. Functional consequence: retained intron. Not counted in ClinVar's aggregate classification.

Dr. Peter K. Rogan Lab, Western University
No classification provided (evidence only). Condition: Acute myeloid leukemia. Review status: no classification provided. Collection method: in vitro. Allele origin: not applicable. Functional consequence: retained intron. Not counted in ClinVar's aggregate classification.

Dr. Peter K. Rogan Lab, Western University
No classification provided (evidence only). Condition: Acute myeloid leukemia. Review status: no classification provided. Collection method: in vitro. Allele origin: not applicable. Functional consequence: retained intron. Not counted in ClinVar's aggregate classification.

Dr. Peter K. Rogan Lab, Western University
No classification provided (evidence only). Condition: Acute myeloid leukemia. Review status: no classification provided. Collection method: in vitro. Allele origin: not applicable. Functional consequence: retained intron. Not counted in ClinVar's aggregate classification.

Dr. Peter K. Rogan Lab, Western University
No classification provided (evidence only). Condition: Colon adenocarcinoma. Review status: no classification provided. Collection method: in vitro. Allele origin: not applicable. Functional consequence: skipped exon. Not counted in ClinVar's aggregate classification.

Dr. Peter K. Rogan Lab, Western University
No classification provided (evidence only). Condition: Colon adenocarcinoma. Review status: no classification provided. Collection method: in vitro. Allele origin: not applicable. Functional consequence: retained intron. Not counted in ClinVar's aggregate classification.

Dr. Peter K. Rogan Lab, Western University
No classification provided (evidence only). Condition: Thyroid cancer, nonmedullary, 1. Review status: no classification provided. Collection method: in vitro. Allele origin: not applicable. Functional consequence: retained intron. Not counted in ClinVar's aggregate classification.

Dr. Peter K. Rogan Lab, Western University
No classification provided (evidence only). Condition: Thyroid cancer, nonmedullary, 1. Review status: no classification provided. Collection method: in vitro. Allele origin: not applicable. Functional consequence: retained intron. Not counted in ClinVar's aggregate classification.

Dr. Peter K. Rogan Lab, Western University
No classification provided (evidence only). Condition: Thyroid cancer, nonmedullary, 1. Review status: no classification provided. Collection method: in vitro. Allele origin: not applicable. Functional consequence: skipped exon. Not counted in ClinVar's aggregate classification.

Dr. Peter K. Rogan Lab, Western University
No classification provided (evidence only). Condition: Thyroid cancer, nonmedullary, 1. Review status: no classification provided. Collection method: in vitro. Allele origin: not applicable. Functional consequence: skipped exon. Not counted in ClinVar's aggregate classification.

Dr. Peter K. Rogan Lab, Western University
No classification provided (evidence only). Condition: Uterine corpus endometrial carcinoma. Review status: no classification provided. Collection method: in vitro. Allele origin: not applicable. Functional consequence: retained intron. Not counted in ClinVar's aggregate classification.

Dr. Peter K. Rogan Lab, Western University
No classification provided (evidence only). Condition: Uterine corpus endometrial carcinoma. Review status: no classification provided. Collection method: in vitro. Allele origin: not applicable. Functional consequence: skipped exon. Not counted in ClinVar's aggregate classification.

Dr. Peter K. Rogan Lab, Western University
No classification provided (evidence only). Condition: Uterine corpus endometrial carcinoma. Review status: no classification provided. Collection method: in vitro. Allele origin: not applicable. Functional consequence: skipped exon, retained intron. Not counted in ClinVar's aggregate classification.

Dr. Peter K. Rogan Lab, Western University
No classification provided (evidence only). Condition: Cervical cancer. Review status: no classification provided. Collection method: in vitro. Allele origin: not applicable. Functional consequence: skipped exon, retained intron. Not counted in ClinVar's aggregate classification.

Dr. Peter K. Rogan Lab, Western University
No classification provided (evidence only). Condition: Sarcoma. Review status: no classification provided. Collection method: in vitro. Allele origin: not applicable. Functional consequence: retained intron. Not counted in ClinVar's aggregate classification.

Dr. Peter K. Rogan Lab, Western University
No classification provided (evidence only). Condition: Sarcoma. Review status: no classification provided. Collection method: in vitro. Allele origin: not applicable. Functional consequence: skipped exon. Not counted in ClinVar's aggregate classification.

Dr. Peter K. Rogan Lab, Western University
No classification provided (evidence only). Condition: Hepatocellular carcinoma. Review status: no classification provided. Collection method: in vitro. Allele origin: not applicable. Functional consequence: retained intron. Not counted in ClinVar's aggregate classification.

Dr. Peter K. Rogan Lab, Western University
No classification provided (evidence only). Condition: Nonpapillary renal cell carcinoma. Review status: no classification provided. Collection method: in vitro. Allele origin: not applicable. Functional consequence: skipped exon. Not counted in ClinVar's aggregate classification.

Dr. Peter K. Rogan Lab, Western University
No classification provided (evidence only). Condition: Cholangiocarcinoma. Review status: no classification provided. Collection method: in vitro. Allele origin: not applicable. Functional consequence: retained intron. Not counted in ClinVar's aggregate classification.

Dr. Peter K. Rogan Lab, Western University
No classification provided (evidence only). Condition: Ovarian serous cystadenocarcinoma. Review status: no classification provided. Collection method: in vitro. Allele origin: not applicable. Functional consequence: retained intron. Not counted in ClinVar's aggregate classification.

Dr. Peter K. Rogan Lab, Western University
No classification provided (evidence only). Condition: Ovarian serous cystadenocarcinoma. Review status: no classification provided. Collection method: in vitro. Allele origin: not applicable. Functional consequence: retained intron. Not counted in ClinVar's aggregate classification.

Dr. Peter K. Rogan Lab, Western University
No classification provided (evidence only). Condition: Ovarian serous cystadenocarcinoma. Review status: no classification provided. Collection method: in vitro. Allele origin: not applicable. Functional consequence: retained intron. Not counted in ClinVar's aggregate classification.

Dr. Peter K. Rogan Lab, Western University
No classification provided (evidence only). Condition: Ovarian serous cystadenocarcinoma. Review status: no classification provided. Collection method: in vitro. Allele origin: not applicable. Functional consequence: retained intron. Not counted in ClinVar's aggregate classification.

Literature cited by the submitters: PubMed 22939401 (cited by Illumina Laboratory Services, Illumina).